The following is an entry in ClinVar:

ClinVar aggregate classification (germline): Uncertain significance (1 of 4 stars; one submission).

Conditions:
Dilated cardiomyopathy 1II (CMD1II). Identifiers: Orphanet 154, MedGen C3554649, MONDO:0014073, OMIM 615184.

Submission:

Labcorp Genetics (formerly Invitae), Labcorp
Classification: Uncertain significance for Dilated cardiomyopathy 1II. Last evaluated: 2022-08-16. Review status: criteria provided, single submitter. Criteria: Invitae Variant Classification Sherloc (09022015). Collection method: clinical testing. Allele origin: germline.
Comment: In summary, the available evidence is currently insufficient to determine the role of this variant in disease. Therefore, it has been classified as a Variant of Uncertain Significance. Variants that disrupt the consensus splice site are a relatively common cause of aberrant splicing (PMID: 17576681, 9536098). Algorithms developed to predict the effect of sequence changes on RNA splicing suggest that this variant is not likely to affect RNA splicing. ClinVar contains an entry for this variant (Variation ID: 953922). This variant has not been reported in the literature in individuals affected with CRYAB-related conditions. This variant is not present in population databases (gnomAD no frequency). This sequence change affects codon 67 of the CRYAB mRNA. It is a 'silent' change, meaning that it does not change the encoded amino acid sequence of the CRYAB protein. This variant also falls at the last nucleotide of exon 2, which is part of the consensus splice site for this exon.

Literature cited by the submitters: PubMed 17576681; PubMed 9536098.

NM_001289808.2(CRYAB):c.201G>A (p.Glu67=)

Gene: CRYAB (crystallin alpha B; minus strand). Cytogenetic location: 11q23.1.
Variant type: single nucleotide variant.
Coding change: c.201G>A on transcript NM_001289808.2 (MANE Select); coding-DNA position 201, G replaced by A.
Protein change: p.Glu67=; no amino-acid change (glutamic acid 67 retained).
Molecular consequence: synonymous variant.
Genome position (GRCh38, 1-based): chr11:111,911,524, C>T on the plus strand (G>A on the coding strand, the complement: CRYAB is on the minus strand). VCF-style: chr11-111911524-C-T. GRCh37 (hg19) VCF-style: chr11-111782248-C-T.
Other names: c.201G>A, p.Glu67= (NM_001289807.1, NM_001368245.1, NM_001885.3).
Identifiers: ClinVar variation 953922 (VCV000953922.7), dbSNP rs1965452797, ClinGen allele CA476783308.